The following is an entry in ClinVar:

ClinVar aggregate classification (germline): Uncertain significance. Review status: criteria provided, multiple submitters, no conflicts (2 of 4 stars). 4 submissions from 4 submitters: Uncertain significance (4). Last evaluated 2025-06-18.

Conditions:
Classic homocystinuria. Also called: Homocystinuria due to Cystathionine Beta-Synthase Deficiency; HOMOCYSTINURIA WITH OR WITHOUT RESPONSE TO PYRIDOXINE; Homocystinuria due to CBS deficiency; Cystathionine beta-synthase deficiency; CBS deficiency. Identifiers: Orphanet 394, MedGen C0751202, MONDO:0009352, OMIM 236200.
Familial thoracic aortic aneurysm and aortic dissection (TAAD). Also called: Thoracic aortic aneurysms and dissections. Identifiers: Orphanet 91387, MedGen C4707243, MONDO:0019625.

Submissions (4):

Ambry Genetics
Classification: Uncertain significance for Familial thoracic aortic aneurysm and aortic dissection. Last evaluated: 2025-06-18. Review status: criteria provided, single submitter. Criteria: Ambry Variant Classification Scheme 2023. Collection method: clinical testing. Allele origin: germline.
Comment: The c.1080_1081delCGinsTA variant, located in coding exon 10 of the CBS gene, results from an in-frame deletion of CG and insertion of TA at nucleotide positions 1080 to 1081. This results in the substitution of the alanine residue for a threonine residue at codon 361, an amino acid with similar properties. This variant, noted as c.1081G>A, and resulting in the same amino acid change, was noted as homozygous in a subject with features of CBS-related disease (Castro R et al. Clin Genet, 2001 Aug;60:161-3). This amino acid position is highly conserved in available vertebrate species. In addition, the in silico prediction for this variant is inconclusive (Choi Y et al. PLoS ONE. 2012; 7(10):e46688). Based on the available evidence, the clinical significance of this variant remains unclear.

ARUP Laboratories, Molecular Genetics and Genomics, ARUP Laboratories
Classification: Uncertain significance. Last evaluated: 2025-04-29. Review status: criteria provided, single submitter. Criteria: ARUP Molecular Germline Variant Investigation Process 2024. Collection method: clinical testing. Allele origin: germline.
Comment: The CBS c.1080_1081delinsTA; p.Ala361Thr variant (rs1555873407), to our knowledge, is not reported in the medical literature but is reported in ClinVar (Variation ID: 538694). This variant is absent from the Genome Aggregation Database (v2.1.1), indicating it is not a common polymorphism. Additionally, another substitution at this codon resulting in the same amino acid change (c.1081G>A; p.Ala361Thr) has been reported in a homozygous individual with homocystinuria (Castro 2001). Functional analyses in yeast demonstrate p.Ala361Thr results in a nonfunctional protein that was not rescued by B6 supplementation (Mayfield 2012). Computational analyses predict that the p.Ala361Thr variant is deleterious (REVEL: 0.825). Due to limited information, the clinical significance of the c.1080_1081delinsTA; p.Ala361Thr variant is uncertain at this time. References: Castro R et al. Molecular genetic analysis of the cystathionine beta-synthase gene in Portuguese Mayfield JA et al. Surrogate genetics and metabolic profiling for characterization of human disease alleles. Genetics. 2012 Apr;190(4):1309-23. PMID: 22267502.

Fulgent Genetics
Classification: Uncertain significance for Classic homocystinuria. Last evaluated: 2022-05-24. Review status: criteria provided, single submitter. Criteria: ACMG Guidelines, 2015. Collection method: clinical testing. Allele origin: unknown.

Labcorp Genetics (formerly Invitae), Labcorp
Classification: Uncertain significance for HYPERHOMOCYSTEINEMIA, THROMBOTIC, CBS-RELATED. Last evaluated: 2017-12-06. Review status: criteria provided, single submitter. Criteria: Invitae Variant Classification Sherloc (09022015). Collection method: clinical testing. Allele origin: germline.
Comment: This sequence change replaces Alanine with Threonine at codon 361 of the CBS protein (p.Ala361Thr). The Alanine residue is highly conserved and there is a moderate physicochemical difference between Alanine and Threonine. This variant is not present in population databases (ExAC no frequency). This specific variant has not been reported in individuals with CBS-related disease.Â¬â€  However, a different variant, c.1081G>A, that results in the same amino acid substitution p.Ala361Thr, has been reported in an individual with CBS deficiency (PMID: 11553052). Experimental studies in yeast have shown that the p.Ala361Thr results in a nonfunctional enzyme (PMID:22267502). In summary, the available evidence is currently insufficient to determine the role of this variant in disease. Therefore, it has been classified as a Variant of Uncertain Significance.

Literature cited by the submitters: PubMed 11553052 (cited by Ambry Genetics and Labcorp Genetics (formerly Invitae), Labcorp); PubMed 22267502 (cited by Labcorp Genetics (formerly Invitae), Labcorp).

NM_000071.3(CBS):c.1080_1081delinsTA (p.Ala361Thr)

Gene: CBS (cystathionine beta-synthase; minus strand). Cytogenetic location: 21q22.3.
Variant type: Indel.
Coding change: c.1080_1081delinsTA on transcript NM_000071.3 (MANE Select); coding-DNA positions 1080 to 1081, CG replaced by TA.
Protein change: p.Ala361Thr; replaces alanine 361 with threonine.
Molecular consequence: missense variant.
Genome position (GRCh38, 1-based): chr21:43,060,505-43,060,506, CG replaced by TA on the plus strand (CG replaced by TA on the coding strand, the reverse complement: CBS is on the minus strand). VCF-style: chr21-43060505-CG-TA. GRCh37 (hg19) VCF-style: chr21-44480615-CG-TA.
Other names: c.1080_1081delinsTA, p.Ala361Thr (NM_001178008.3, NM_001178009.3, NM_001320298.2); c.765_766delinsTA, p.Ala256Thr (NM_001321072.1); c.1080_1081delCGinsTA (NM_000071.2); short protein forms A361T, A256T.
Identifiers: ClinVar variation 538694 (VCV000538694.4), dbSNP rs1555873407, ClinGen allele CA658799452.